The following is an entry in ClinVar:

NM_003070.5(SMARCA2):c.2210C>T (p.Ser737Phe)

Gene: SMARCA2 (SWI/SNF related BAF chromatin remodeling complex subunit ATPase 2; plus strand). Cytogenetic location: 9p24.3.
Variant type: single nucleotide variant.
Coding change: c.2210C>T on transcript NM_003070.5 (MANE Select); coding-DNA position 2210, C replaced by T.
Protein change: p.Ser737Phe; replaces serine 737 with phenylalanine.
Molecular consequence: missense variant.
Genome position (GRCh38, 1-based): chr9:2,081,857, C>T. VCF-style: chr9-2081857-C-T. GRCh37 (hg19) VCF-style: chr9-2081857-C-T.
Other names: c.2210C>T, p.Ser737Phe (NM_001289396.2, NM_001289397.2, NM_139045.4); short protein forms S737F.
Identifiers: ClinVar variation 3704508 (VCV003704508.2).

ClinVar aggregate classification (germline): Uncertain significance (1 of 4 stars; one submission).

Submission:

Labcorp Genetics (formerly Invitae), Labcorp
Classification: Uncertain significance. Last evaluated: 2024-09-17. Review status: criteria provided, single submitter. Criteria: Invitae Variant Classification Sherloc (09022015). Collection method: clinical testing. Allele origin: germline.
Comment: This sequence change replaces serine, which is neutral and polar, with phenylalanine, which is neutral and non-polar, at codon 737 of the SMARCA2 protein (p.Ser737Phe). This variant is not present in population databases (gnomAD no frequency). This variant has not been reported in the literature in individuals affected with SMARCA2-related conditions. Invitae Evidence Modeling of protein sequence and biophysical properties (such as structural, functional, and spatial information, amino acid conservation, physicochemical variation, residue mobility, and thermodynamic stability) indicates that this missense variant is expected to disrupt SMARCA2 protein function with a positive predictive value of 80%. This variant disrupts the p.Ser737 amino acid residue in SMARCA2. Other variant(s) that disrupt this residue have been determined to be pathogenic (PMID: 31164858). This suggests that this residue is clinically significant, and that variants that disrupt this residue are likely to be disease-causing. In summary, the available evidence is currently insufficient to determine the role of this variant in disease. Therefore, it has been classified as a Variant of Uncertain Significance.

Literature cited by the submitters: PubMed 31164858.